The following is an entry in ClinVar:

ClinVar aggregate classification (germline): Uncertain significance. Review status: criteria provided, multiple submitters, no conflicts (2 of 4 stars). 2 submissions from 2 submitters: Uncertain significance (2). Last evaluated 2025-10-07.

Conditions:
POLD1-related polyposis and colorectal cancer syndrome (CRCS10). Also called: Colorectal cancer 10; COLORECTAL CANCER, SUSCEPTIBILITY TO, ON CHROMOSOME 19q; Colorectal cancer, susceptibility to, 10. Identifiers: Orphanet 220460, MedGen C2675481, MONDO:0012953, OMIM 612591.
Hereditary cancer-predisposing syndrome. Also called: Neoplastic Syndromes, Hereditary; Tumor predisposition; Hereditary Cancer Syndrome; Hereditary neoplastic syndrome. Identifiers: Orphanet 140162, MedGen C0027672, MeSH D009386, MONDO:0015356.

Submissions (2):

Ambry Genetics
Classification: Uncertain significance for Hereditary cancer-predisposing syndrome. Last evaluated: 2025-10-07. Review status: criteria provided, single submitter. Criteria: Ambry Variant Classification Scheme 2023. Collection method: clinical testing. Allele origin: germline.
Comment: The p.G120V variant (also known as c.359G>T), located in coding exon 3 of the POLD1 gene, results from a G to T substitution at nucleotide position 359. The glycine at codon 120 is replaced by valine, an amino acid with dissimilar properties. This amino acid position is conserved. In addition, this alteration is predicted to be tolerated by in silico analysis. Based on the available evidence, the clinical significance of this variant remains unclear.

Labcorp Genetics (formerly Invitae), Labcorp
Classification: Uncertain significance for POLD1-related polyposis and colorectal cancer syndrome. Last evaluated: 2024-02-16. Review status: criteria provided, single submitter. Criteria: Invitae Variant Classification Sherloc (09022015). Collection method: clinical testing. Allele origin: germline.
Comment: This sequence change replaces glycine, which is neutral and non-polar, with valine, which is neutral and non-polar, at codon 120 of the POLD1 protein (p.Gly120Val). This variant is not present in population databases (gnomAD no frequency). This variant has not been reported in the literature in individuals affected with POLD1-related conditions. ClinVar contains an entry for this variant (Variation ID: 1487140). Advanced modeling of protein sequence and biophysical properties (such as structural, functional, and spatial information, amino acid conservation, physicochemical variation, residue mobility, and thermodynamic stability) performed at Invitae indicates that this missense variant is not expected to disrupt POLD1 protein function with a negative predictive value of 80%. In summary, the available evidence is currently insufficient to determine the role of this variant in disease. Therefore, it has been classified as a Variant of Uncertain Significance.

NM_002691.4(POLD1):c.359G>T (p.Gly120Val)

Gene: POLD1 (DNA polymerase delta 1, catalytic subunit; plus strand). Cytogenetic location: 19q13.33.
Variant type: single nucleotide variant.
Coding change: c.359G>T on transcript NM_002691.4 (MANE Select); coding-DNA position 359, G replaced by T.
Protein change: p.Gly120Val; replaces glycine 120 with valine.
Molecular consequence: missense variant. On other transcripts: non-coding transcript variant (1).
Genome position (GRCh38, 1-based): chr19:50,401,820, G>T. VCF-style: chr19-50401820-G-T. GRCh37 (hg19) VCF-style: chr19-50905077-G-T.
Other names: c.359G>T (NM_002691.2); c.359G>T, p.Gly120Val (NM_001256849.1, NM_001308632.1); short protein forms G120V.
Identifiers: ClinVar variation 1487140 (VCV001487140.9), dbSNP rs2038644870, ClinGen allele CA406972247.